The following is an entry in ClinVar:

NM_002184.4(IL6ST):c.1436G>A (p.Arg479His)

Gene: IL6ST (interleukin 6 cytokine family signal transducer; minus strand). Cytogenetic location: 5q11.2.
Variant type: single nucleotide variant.
Coding change: c.1436G>A on transcript NM_002184.4 (MANE Select); coding-DNA position 1436, G replaced by A.
Protein change: p.Arg479His; replaces arginine 479 with histidine.
Molecular consequence: missense variant. On other transcripts: 3 prime UTR variant (1), non-coding transcript variant (2), intron variant (1).
Genome position (GRCh38, 1-based): chr5:55,954,824, C>T on the plus strand (G>A on the coding strand, the complement: IL6ST is on the minus strand). VCF-style: chr5-55954824-C-T. GRCh37 (hg19) VCF-style: chr5-55250652-C-T.
Other names: c.1436G>A, p.Arg479His (NM_001364275.2); c.1226G>A, p.Arg409His (NM_001364276.2); c.569G>A, p.Arg190His (NM_001364277.2); c.533G>A, p.Arg178His (NM_001364278.2); c.440G>A, p.Arg147His (NM_001364279.2); c.*363G>A (NM_175767.3); c.1267+1201G>A (NM_001190981.2); short protein forms R190H, R409H, R147H, R178H, R479H.
Identifiers: ClinVar variation 1497015 (VCV001497015.6), dbSNP rs755797298, ClinGen allele CA119048126.
Genomic context (GRCh38, chr5:55,954,824, plus strand): 5'-GAGTTAGAAAAAGGATATCAATTTAGATGTTTCTAGCCAGGTATACCTCTTAAATAGGTG[C>T]GATGCACGGTACCATCTTCTTGTTGCCAGTCTGTGATACAGGGTGCTTTATCTGATAACA-3'
Protein context (NP_002175.2, residues 469-489): DWQQEDGTVH[Arg479His]TYLRGNLAES

ClinVar aggregate classification (germline): Uncertain significance (1 of 4 stars; one submission).

Allele frequency attached by ClinVar (database versions not stated): gnomAD exomes 0.00001.
gnomAD v4.1: 15 of 1,607,394 alleles (0.00093%); highest among the groups gnomAD compares: Middle Eastern, 0.017%; no homozygotes.

Submission:

Labcorp Genetics (formerly Invitae), Labcorp
Classification: Uncertain significance. Last evaluated: 2025-06-23. Review status: criteria provided, single submitter. Criteria: Invitae Variant Classification Sherloc (09022015). Collection method: clinical testing. Allele origin: germline.
Comment: This sequence change replaces arginine, which is basic and polar, with histidine, which is basic and polar, at codon 479 of the IL6ST protein (p.Arg479His). The frequency data for this variant in the population databases is considered unreliable, as metrics indicate poor data quality at this position in the gnomAD database. This variant has not been reported in the literature in individuals affected with IL6ST-related conditions. ClinVar contains an entry for this variant (Variation ID: 1497015). An algorithm developed to predict the effect of missense changes on protein structure and function outputs the following: PolyPhen-2: "Benign". The histidine amino acid residue is found in multiple mammalian species, which suggests that this missense change does not adversely affect protein function. In summary, the available evidence is currently insufficient to determine the role of this variant in disease. Therefore, it has been classified as a Variant of Uncertain Significance.